The following is an entry in ClinVar:

ClinVar aggregate classification (germline): Uncertain significance (1 of 4 stars; one submission).

Allele frequency attached by ClinVar (database versions not stated): gnomAD exomes below 0.00001.
gnomAD v4.1: 1 of 1,211,648 alleles (0.000083%); highest among the groups gnomAD compares: Non-Finnish European, 0.00011%; no homozygotes.

Submission:

GeneDx
Classification: Uncertain significance. Last evaluated: 2016-04-26. Review status: criteria provided, single submitter. Criteria: GeneDx Variant Classification (06012015). Collection method: clinical testing. Allele origin: germline. Affected: yes.
Comment: The H742Y variant in the CNKSR2 gene has not been reported previously as a pathogenic variant, nor as a benign variant, to our knowledge. The H742Y variant was not observed in approximately 6,500 individuals of European and African American ancestry in the NHLBI Exome Sequencing Project, indicating it is not a common benign variant in these populations. The H742Y variant is a non-conservative amino acid substitution, which is likely to impact secondary protein structure as these residues differ in polarity, charge, size and/or other properties. This substitution occurs at a position that is conserved in mammals. In silico analysis is inconsistent in its predictions as to whether or not the variant is damaging to the protein structure/function. We interpret H742Y as a variant of uncertain significance.

NM_014927.5(CNKSR2):c.2224C>T (p.His742Tyr)

Gene: CNKSR2 (connector enhancer of kinase suppressor of Ras 2; plus strand). Cytogenetic location: Xp22.12.
Variant type: single nucleotide variant.
Coding change: c.2224C>T on transcript NM_014927.5 (MANE Select); coding-DNA position 2224, C replaced by T.
Protein change: p.His742Tyr; replaces histidine 742 with tyrosine.
Molecular consequence: missense variant.
Genome position (GRCh38, 1-based): chrX:21,609,149, C>T. VCF-style: chrX-21609149-C-T. GRCh37 (hg19) VCF-style: chrX-21627267-C-T.
Other names: c.2134C>T, p.His712Tyr (NM_001168647.3, NM_001330773.2); c.2224C>T, p.His742Tyr (NM_001168648.3); c.2077C>T, p.His693Tyr (NM_001168649.3, NM_001330770.2); c.1987C>T, p.His663Tyr (NM_001330771.2, NM_001330772.2); short protein forms H742Y, H712Y, H693Y, H663Y.
Identifiers: ClinVar variation 421042 (VCV000421042.2), dbSNP rs1064794868, ClinGen allele CA16621300.